The following is an entry in ClinVar:

NM_014946.4(SPAST):c.1504A>T (p.Lys502Ter)

Gene: SPAST (spastin; plus strand). Cytogenetic location: 2p22.3.
Variant type: single nucleotide variant.
Coding change: c.1504A>T on transcript NM_014946.4 (MANE Select); coding-DNA position 1504, A replaced by T.
Protein change: p.Lys502Ter; replaces lysine 502 with a stop codon.
Molecular consequence: nonsense.
Genome position (GRCh38, 1-based): chr2:32,141,914, A>T. VCF-style: chr2-32141914-A-T. GRCh37 (hg19) VCF-style: chr2-32366983-A-T.
Other names: c.1408A>T, p.Lys470Ter (NM_199436.2, NM_001377959.1); c.1501A>T, p.Lys501Ter (NM_001363823.2); c.1405A>T, p.Lys469Ter (NM_001363875.2); short protein forms K469*, K501*, K502*, K470*.
Identifiers: ClinVar variation 3720313 (VCV003720313.2).

ClinVar aggregate classification (germline): Pathogenic (1 of 4 stars; one submission).

Conditions:
Hereditary spastic paraplegia 4. Also called: Spastic paraplegia 4, autosomal dominant; Spastic Paraplegia 4; Familial spastic paraplegia autosomal dominant 2. Identifiers: Orphanet 100985, MedGen C1866855, MONDO:0008438, OMIM 182601.

Submission:

Labcorp Genetics (formerly Invitae), Labcorp
Classification: Pathogenic for Hereditary spastic paraplegia 4. Last evaluated: 2024-02-01. Review status: criteria provided, single submitter. Criteria: Invitae Variant Classification Sherloc (09022015). Collection method: clinical testing. Allele origin: germline.
Comment: This sequence change creates a premature translational stop signal (p.Lys502*) in the SPAST gene. It is expected to result in an absent or disrupted protein product. Loss-of-function variants in SPAST are known to be pathogenic (PMID: 20932283). This variant is not present in population databases (gnomAD no frequency). This premature translational stop signal has been observed in individual(s) with hereditary spastic paraplegia (PMID: 24451228). For these reasons, this variant has been classified as Pathogenic.

Literature cited by the submitters: PubMed 20932283; PubMed 24451228.